The following is an entry in ClinVar:

ClinVar aggregate classification (germline): Uncertain significance. Review status: criteria provided, multiple submitters, no conflicts (2 of 4 stars). 3 submissions from 3 submitters: Uncertain significance (3). Last evaluated 2022-06-21.

Conditions:
Inborn genetic diseases. Identifiers: MedGen C0950123, MeSH D030342.
ALG3-congenital disorder of glycosylation. Also called: CONGENITAL DISORDER OF GLYCOSYLATION, TYPE Id; CDG Id; CARBOHYDRATE-DEFICIENT GLYCOPROTEIN SYNDROME, TYPE IV; CDGS, TYPE IV; ALG3-CDG. Identifiers: Orphanet 79321, MedGen C1832736, MONDO:0010998, OMIM 601110.

Allele frequency attached by ClinVar (database versions not stated): gnomAD 0.00001 and 0.00003; gnomAD exomes 0.00007; TOPMed 0.00008; ExAC 0.00011.
gnomAD v4.1: 66 of 1,587,576 alleles (0.0042%); highest among the groups gnomAD compares: East Asian, 0.14%; no homozygotes.

Submissions (3):

Ambry Genetics
Classification: Uncertain significance for Inborn genetic diseases. Last evaluated: 2022-06-21. Review status: criteria provided, single submitter. Criteria: Ambry Variant Classification Scheme 2023. Collection method: clinical testing. Allele origin: germline.

Labcorp Genetics (formerly Invitae), Labcorp
Classification: Uncertain significance for ALG3-congenital disorder of glycosylation. Last evaluated: 2022-01-14. Review status: criteria provided, single submitter. Criteria: Invitae Variant Classification Sherloc (09022015). Collection method: clinical testing. Allele origin: germline.
Comment: This sequence change replaces lysine, which is basic and polar, with glutamine, which is neutral and polar, at codon 7 of the ALG3 protein (p.Lys7Gln). This variant is present in population databases (rs775068875, gnomAD 0.09%). This variant has not been reported in the literature in individuals affected with ALG3-related conditions. ClinVar contains an entry for this variant (Variation ID: 344363). Algorithms developed to predict the effect of missense changes on protein structure and function are either unavailable or do not agree on the potential impact of this missense change (SIFT: "Tolerated"; PolyPhen-2: "Possibly Damaging"; Align-GVGD: "Class C0"). In summary, the available evidence is currently insufficient to determine the role of this variant in disease. Therefore, it has been classified as a Variant of Uncertain Significance.

Illumina Laboratory Services, Illumina
Classification: Uncertain significance for ALG3-congenital disorder of glycosylation. Last evaluated: 2018-01-12. Review status: criteria provided, single submitter. Criteria: ICSL Variant Classification Criteria 13 December 2019. Collection method: clinical testing. Allele origin: germline.

NM_005787.6(ALG3):c.19A>C (p.Lys7Gln)

Gene: ALG3 (ALG3 alpha-1,3- mannosyltransferase; minus strand). Cytogenetic location: 3q27.1.
Variant type: single nucleotide variant.
Coding change: c.19A>C on transcript NM_005787.6 (MANE Select); coding-DNA position 19, A replaced by C.
Protein change: p.Lys7Gln; replaces lysine 7 with glutamine.
Molecular consequence: missense variant. On other transcripts: non-coding transcript variant (2), intron variant (1).
Genome position (GRCh38, 1-based): chr3:184,248,922, T>G on the plus strand (A>C on the coding strand, the complement: ALG3 is on the minus strand). VCF-style: chr3-184248922-T-G. GRCh37 (hg19) VCF-style: chr3-183966710-T-G.
Other names: c.52+304A>C (NM_001006941.2); short protein forms K7Q.
Identifiers: ClinVar variation 344363 (VCV000344363.9), dbSNP rs775068875, ClinGen allele CA2729680.
Genomic context (GRCh38, chr3:184,248,922, plus strand): 5'-GCTGCAGCCATTGCTTGCAGAGTCCCTCTGCCTGGGCCGCGGAACCGGACCGGCCGCGTT[T>G]CCGCAGCCCAGCCGCCATCTTAACGGTGCGCCGCTTGTGTGGGCCCACCACCCCCGGAAA-3'
Protein context (NP_005778.1, residues 1-17): MAAGLR[Lys7Gln]RGRSGSAAQA